The following is an entry in ClinVar:

NM_006431.3(CCT2):c.622A>G (p.Ser208Gly)

Gene: CCT2 (chaperonin containing TCP1 subunit 2; plus strand). Cytogenetic location: 12q15.
Variant type: single nucleotide variant.
Coding change: c.622A>G on transcript NM_006431.3 (MANE Select); coding-DNA position 622, A replaced by G.
Protein change: p.Ser208Gly; replaces serine 208 with glycine.
Molecular consequence: missense variant.
Genome position (GRCh38, 1-based): chr12:69,589,660, A>G. VCF-style: chr12-69589660-A-G. GRCh37 (hg19) VCF-style: chr12-69983440-A-G.
Other names: c.481A>G, p.Ser161Gly (NM_001198842.2); short protein forms S161G, S208G.
Identifiers: ClinVar variation 3684233 (VCV003684233.2).

ClinVar aggregate classification (germline): Uncertain significance (1 of 4 stars; one submission).

gnomAD v4.1: 1 of 1,613,348 alleles (0.000062%); highest among the groups gnomAD compares: East Asian, 0.0022%; no homozygotes.

Submission:

Labcorp Genetics (formerly Invitae), Labcorp
Classification: Uncertain significance. Last evaluated: 2024-05-01. Review status: criteria provided, single submitter. Criteria: Invitae Variant Classification Sherloc (09022015). Collection method: clinical testing. Allele origin: germline.
Comment: This sequence change replaces serine, which is neutral and polar, with glycine, which is neutral and non-polar, at codon 208 of the CCT2 protein (p.Ser208Gly). This variant is present in population databases (rs756659427, gnomAD 0.006%). This variant has not been reported in the literature in individuals affected with CCT2-related conditions. An algorithm developed to predict the effect of missense changes on protein structure and function (PolyPhen-2) suggests that this variant is likely to be tolerated. In summary, the available evidence is currently insufficient to determine the role of this variant in disease. Therefore, it has been classified as a Variant of Uncertain Significance.